The following is an entry in ClinVar:

ClinVar aggregate classification (germline): Uncertain significance (1 of 4 stars; one submission).

Allele frequency attached by ClinVar (database versions not stated): ExAC 0.00003; gnomAD 0.00005; TOPMed 0.00007; ESP Exome Variant Server 0.00008; 1000 Genomes Project 0.00020; 1000 Genomes Project 30x 0.00031.
gnomAD v4.1: 33 of 1,484,458 alleles (0.0022%); highest among the groups gnomAD compares: Middle Eastern, 0.037%; no homozygotes.

Submission:

Labcorp Genetics (formerly Invitae), Labcorp
Classification: Uncertain significance. Last evaluated: 2023-05-28. Review status: criteria provided, single submitter. Criteria: Invitae Variant Classification Sherloc (09022015). Collection method: clinical testing. Allele origin: germline.
Comment: In summary, the available evidence is currently insufficient to determine the role of this variant in disease. Therefore, it has been classified as a Variant of Uncertain Significance. Algorithms developed to predict the effect of sequence changes on RNA splicing suggest that this variant may create or strengthen a splice site. This variant has not been reported in the literature in individuals affected with DIAPH3-related conditions. This variant is present in population databases (rs370844366, gnomAD 0.003%). This sequence change falls in intron 12 of the DIAPH3 gene. It does not directly change the encoded amino acid sequence of the DIAPH3 protein.

NM_001042517.2(DIAPH3):c.1362-19C>G

Gene: DIAPH3 (diaphanous related formin 3; minus strand). Cytogenetic location: 13q21.2.
Variant type: single nucleotide variant.
Coding change: c.1362-19C>G on transcript NM_001042517.2 (MANE Select); 19 bases into the intron before coding-DNA position 1362, C replaced by G.
Molecular consequence: intron variant.
Genome position (GRCh38, 1-based): chr13:59,983,906, G>C on the plus strand (C>G on the coding strand, the complement: DIAPH3 is on the minus strand). VCF-style: chr13-59983906-G-C. GRCh37 (hg19) VCF-style: chr13-60558040-G-C.
Other names: c.1152-19C>G (NM_001258368.2); c.1224-19C>G (NM_001258367.2); c.1329-19C>G (NM_001258366.2); c.1362-19C>G (NM_001258369.2); c.573-19C>G (NM_030932.4, NM_001258370.2).
Identifiers: ClinVar variation 2958719 (VCV002958719.3), dbSNP rs370844366, ClinGen allele CA6996718.
Genomic context (GRCh38, chr13:59,983,906, plus strand): 5'-ATCTGGGATACACACTCATCAATTAATTTGAAGTATTGTTGCCTAAAACCAAAGAAAAGA[G>C]TAAATGTACAATTGATAATTAGTGTAACTTTACATCAAAACAAAACTTTTTGGCTAAGAT-3'